The following is an entry in ClinVar:

ClinVar aggregate classification (germline): Uncertain significance. Review status: criteria provided, multiple submitters, no conflicts (2 of 4 stars). 3 submissions from 3 submitters: Uncertain significance (3). Last evaluated 2025-08-13.

Conditions:
Fanconi renotubular syndrome 2 (FRTS2). Identifiers: MedGen C3150652, MONDO:0013247, OMIM 613388.
Hypophosphatemic nephrolithiasis/osteoporosis 1. Identifiers: Orphanet 244305, MedGen C2676786, MONDO:0012850, OMIM 612286.
Hypercalcemia, infantile, 2 (HCINF2). Identifiers: Orphanet 300547, MedGen C4310473, MONDO:0014851, OMIM 616963.
Inborn genetic diseases. Identifiers: MedGen C0950123, MeSH D030342.

Allele frequency attached by ClinVar (database versions not stated): ExAC 0.00002; gnomAD 0.00009; TOPMed 0.00010; 1000 Genomes Project 30x 0.00031.
gnomAD v4.1: 19 of 1,599,538 alleles (0.0012%); highest among the groups gnomAD compares: Admixed American, 0.023%; no homozygotes.

Submissions (3):

Ambry Genetics
Classification: Uncertain significance for Inborn genetic diseases. Last evaluated: 2025-08-13. Review status: criteria provided, single submitter. Criteria: Ambry Variant Classification Scheme 2023. Collection method: clinical testing. Allele origin: germline.

Labcorp Genetics (formerly Invitae), Labcorp
Classification: Uncertain significance. Last evaluated: 2025-02-15. Review status: criteria provided, single submitter. Criteria: Invitae Variant Classification Sherloc (09022015). Collection method: clinical testing. Allele origin: germline.
Comment: This sequence change replaces alanine, which is neutral and non-polar, with serine, which is neutral and polar, at codon 629 of the SLC34A1 protein (p.Ala629Ser). This variant is present in population databases (rs764058498, gnomAD 0.006%). This variant has not been reported in the literature in individuals affected with SLC34A1-related conditions. ClinVar contains an entry for this variant (Variation ID: 2081947). An algorithm developed to predict the effect of missense changes on protein structure and function (PolyPhen-2) suggests that this variant is likely to be tolerated. In summary, the available evidence is currently insufficient to determine the role of this variant in disease. Therefore, it has been classified as a Variant of Uncertain Significance.

Fulgent Genetics
Classification: Uncertain significance for Hypophosphatemic nephrolithiasis/osteoporosis 1; Fanconi renotubular syndrome 2; Hypercalcemia, infantile, 2. Last evaluated: 2024-04-20. Review status: criteria provided, single submitter. Criteria: ACMG Guidelines, 2015. Collection method: clinical testing. Allele origin: germline.

NM_003052.5(SLC34A1):c.1885G>T (p.Ala629Ser)

Gene: SLC34A1 (solute carrier family 34 member 1; plus strand). Cytogenetic location: 5q35.3.
Variant type: single nucleotide variant.
Coding change: c.1885G>T on transcript NM_003052.5 (MANE Select); coding-DNA position 1885, G replaced by T.
Protein change: p.Ala629Ser; replaces alanine 629 with serine.
Molecular consequence: missense variant.
Genome position (GRCh38, 1-based): chr5:177,398,251, G>T. VCF-style: chr5-177398251-G-T. GRCh37 (hg19) VCF-style: chr5-176825252-G-T.
Other names: c.1885G>T (NM_003052.4); short protein forms A629S.
Identifiers: ClinVar variation 2081947 (VCV002081947.8), dbSNP rs764058498, ClinGen allele CA3580910.